The following is an entry in ClinVar:

NM_021830.5(TWNK):c.-650A>G

Gene: TWNK (twinkle mtDNA helicase; plus strand). Cytogenetic location: 10q24.31.
Variant type: single nucleotide variant.
Coding change: c.-650A>G on transcript NM_021830.5 (MANE Select); 650 bases upstream of the start codon, A replaced by G.
Molecular consequence: 5 prime UTR variant. On other transcripts: non-coding transcript variant (5).
Genome position (GRCh38, 1-based): chr10:100,987,561, A>G. VCF-style: chr10-100987561-A-G. GRCh37 (hg19) VCF-style: chr10-102747318-A-G.
Other names: c.-650A>G (NM_001163812.2); c.-172A>G (NM_001163813.2, NM_001163814.2); c.-110A>G (NM_001368275.1).
Identifiers: ClinVar variation 298484 (VCV000298484.35), dbSNP rs187213541, ClinGen allele CA10627852.

ClinVar aggregate classification (germline): Conflicting classifications of pathogenicity. Review status: criteria provided, conflicting classifications (1 of 4 stars). 5 submissions from 2 submitters: Uncertain significance (2); Benign (2); Likely benign (1). Last evaluated 2023-04-01.

Conditions:
Autosomal recessive cerebellar ataxia. Also called: Spinocerebellar Ataxia, Recessive; Spinocerebellar ataxia, autosomal recessive. Identifiers: Orphanet 1172, MedGen C5575375, MONDO:0015244.
Infantile onset spinocerebellar ataxia (MTDPS7). Also called: SPINOCEREBELLAR ATAXIA, INFANTILE, WITH SENSORY NEUROPATHY; Mitochondrial DNA depletion syndrome 7 (hepatocerebral type); OPHTHALMOPLEGIA, HYPOTONIA, ATAXIA, HYPOACUSIS, AND ATHETOSIS; OHAHA SYNDROME. Identifiers: Orphanet 1186, MedGen C1849096, MONDO:0010060, OMIM 271245.
Progressive external ophthalmoplegia with mitochondrial DNA deletions, autosomal dominant 3. Also called: PROGRESSIVE EXTERNAL OPHTHALMOPLEGIA, AUTOSOMAL DOMINANT 3. Identifiers: MedGen C1836439, MONDO:0012241, OMIM 609286.
Sensory ataxic neuropathy, dysarthria, and ophthalmoparesis (SANDO). Also called: Sensory ataxic neuropathy-dysarthria-ophthalmoparesis syndrome; Epilepsy, progressive myoclonic, type 5; SENSORY ATAXIC NEUROPATHY WITH MITOCHONDRIAL DNA DELETIONS, AUTOSOMAL RECESSIVE; Ataxia Neuropathy Spectrum (ANS). Identifiers: Orphanet 70595, MedGen C1843851, MONDO:0011835, OMIM 607459.

Allele frequency attached by ClinVar (database versions not stated): 1000 Genomes Project 0.00260; 1000 Genomes Project 30x 0.00297; TOPMed 0.00432; gnomAD 0.00447 and 0.00454; gnomAD exomes 0.00693.

Submissions (5):

CeGaT Center for Human Genetics Tuebingen
Classification: Likely benign. Last evaluated: 2023-04-01. Review status: criteria provided, single submitter. Criteria: CeGaT Center For Human Genetics Tuebingen Variant Classification Criteria Version 2. Collection method: clinical testing. Allele origin: germline. Affected: yes. Observed: 5 variant alleles.
Comment: TWNK: BS2

Illumina Laboratory Services, Illumina
Classification: Benign for Sensory ataxic neuropathy-dysarthria-ophthalmoparesis syndrome. Last evaluated: 2018-01-12. Review status: criteria provided, single submitter. Criteria: ICSL Variant Classification Criteria 13 December 2019. Collection method: clinical testing. Allele origin: germline.
Comment: This variant was observed in the ICSL laboratory as part of a predisposition screen in an ostensibly healthy population. It had not been previously curated by ICSL or reported in the Human Gene Mutation Database (HGMD: prior to June 1st, 2018), and was therefore a candidate for classification through an automated scoring system. Utilizing variant allele frequency, disease prevalence and penetrance estimates, and inheritance mode, an automated score was calculated to assess if this variant is too frequent to cause the disease. Based on the score and internal cut-off values, a variant classified as benign is not then subjected to further curation. The score for this variant resulted in a classification of benign for this disease.

Illumina Laboratory Services, Illumina
Classification: Benign for Progressive external ophthalmoplegia with mitochondrial DNA deletions, autosomal dominant 3. Last evaluated: 2018-01-12. Review status: criteria provided, single submitter. Criteria: ICSL Variant Classification Criteria 13 December 2019. Collection method: clinical testing. Allele origin: germline.
Comment: the same text as in the submission from Illumina Laboratory Services, Illumina above.

Illumina Laboratory Services, Illumina
Classification: Uncertain significance for Infantile onset spinocerebellar ataxia. Last evaluated: 2018-01-12. Review status: criteria provided, single submitter. Criteria: ICSL Variant Classification Criteria 13 December 2019. Collection method: clinical testing. Allele origin: germline.

Illumina Laboratory Services, Illumina
Classification: Uncertain significance for Autosomal recessive cerebellar ataxia. Last evaluated: 2018-01-12. Review status: criteria provided, single submitter. Criteria: ICSL Variant Classification Criteria 13 December 2019. Collection method: clinical testing. Allele origin: germline.